The following is an entry in ClinVar:

ClinVar aggregate classification (germline): Uncertain significance (1 of 4 stars; one submission).

Allele frequency attached by ClinVar (database versions not stated): TOPMed below 0.00001 and 0.00001.

Submission:

Women's Health and Genetics/Laboratory Corporation of America, LabCorp
Classification: Uncertain significance. Last evaluated: 2021-03-15. Review status: criteria provided, single submitter. Criteria: LabCorp Variant Classification Summary - May 2015. Collection method: clinical testing. Allele origin: germline.
Comment: Variant summary: TTN c.67618C>A (p.Pro22540Thr) results in a non-conservative amino acid change located in the A-band domain of the encoded protein sequence. Four of five in-silico tools predict a damaging effect of the variant on protein function. The variant was absent in 248508 control chromosomes (gnomAD). The available data on variant occurrences in the general population are insufficient to allow any conclusion about variant significance. To our knowledge, no occurrence of c.67618C>A in individuals affected with Dilated Cardiomyopathy and no experimental evidence demonstrating its impact on protein function have been reported. No clinical diagnostic laboratories have submitted clinical-significance assessments for this variant to ClinVar after 2014. Based on the evidence outlined above, the variant was classified as uncertain significance.

NM_001267550.2(TTN):c.75322C>A (p.Pro25108Thr)

Genes: TTN (titin; minus strand), TTN-AS1 (TTN antisense RNA 1; plus strand). Cytogenetic location: 2q31.2.
Variant type: single nucleotide variant.
Coding change: c.75322C>A on transcript NM_001267550.2 (MANE Select); coding-DNA position 75322, C replaced by A.
Protein change: p.Pro25108Thr; replaces proline 25108 with threonine.
Molecular consequence: missense variant.
Genome position (GRCh38, 1-based): chr2:178,570,810, G>T on the plus strand (C>A on the coding strand, the complement: TTN is on the minus strand). VCF-style: chr2-178570810-G-T. GRCh37 (hg19) VCF-style: chr2-179435537-G-T.
Other names: c.70399C>A, p.Pro23467Thr (NM_001256850.1); c.48127C>A, p.Pro16043Thr (NM_003319.4); c.67618C>A, p.Pro22540Thr (NM_133378.4); c.48502C>A, p.Pro16168Thr (NM_133432.3); c.48703C>A, p.Pro16235Thr (NM_133437.4); short protein forms P16043T, P16168T, P16235T, P22540T, P23467T, P25108T.
Identifiers: ClinVar variation 1027630 (VCV001027630.1), dbSNP rs1445994251, ClinGen allele CA349626566.